The following is an entry in ClinVar:

ClinVar aggregate classification (germline): Pathogenic (1 of 4 stars; one submission).

Conditions:
Charcot-Marie-Tooth disease type 4. Also called: Charcot-Marie-Tooth disease, type IV; Charcot-Marie-Tooth, Type 4. Identifiers: Orphanet 64749, MedGen C4082197, MONDO:0018995.

Submission:

Labcorp Genetics (formerly Invitae), Labcorp
Classification: Pathogenic for Charcot-Marie-Tooth disease type 4. Last evaluated: 2024-12-17. Review status: criteria provided, single submitter. Criteria: Invitae Variant Classification Sherloc (09022015). Collection method: clinical testing. Allele origin: germline.
Comment: This sequence change creates a premature translational stop signal (p.Glu528*) in the FGD4 gene. It is expected to result in an absent or disrupted protein product. Loss-of-function variants in FGD4 are known to be pathogenic (PMID: 17564972). This variant is not present in population databases (gnomAD no frequency). This variant has not been reported in the literature in individuals affected with FGD4-related conditions. For these reasons, this variant has been classified as Pathogenic.

Literature cited by the submitters: PubMed 17564972.

NM_001370298.3(FGD4):c.1993G>T (p.Glu665Ter)

Gene: FGD4 (FYVE, RhoGEF and PH domain containing 4; plus strand). Cytogenetic location: 12p11.21.
Variant type: single nucleotide variant.
Coding change: c.1993G>T on transcript NM_001370298.3 (MANE Select); coding-DNA position 1993, G replaced by T.
Protein change: p.Glu665Ter; replaces glutamic acid 665 with a stop codon.
Molecular consequence: nonsense.
Genome position (GRCh38, 1-based): chr12:32,625,015, G>T. VCF-style: chr12-32625015-G-T. GRCh37 (hg19) VCF-style: chr12-32777949-G-T.
Other names: c.1582G>T, p.Glu528Ter (NM_139241.3, NM_001384127.1, NM_001384128.1 and 1 more transcripts); c.1837G>T, p.Glu613Ter (NM_001304481.2); c.838G>T, p.Glu280Ter (NM_001304483.2); c.550G>T, p.Glu184Ter (NM_001304484.2); c.1303G>T, p.Glu435Ter (NM_001330373.2, NM_001330374.2, NM_001384130.1); c.1030G>T, p.Glu344Ter (NM_001370297.1); c.1993G>T, p.Glu665Ter (NM_001384126.1); short protein forms E435*, E528*, E613*, E184*, E665*, E280*, E344*.
Identifiers: ClinVar variation 3727475 (VCV003727475.2).